The following is an entry in ClinVar:

NM_001846.4(COL4A2):c.2774C>G (p.Pro925Arg)

Gene: COL4A2 (collagen type IV alpha 2 chain; plus strand). Cytogenetic location: 13q34.
Variant type: single nucleotide variant.
Coding change: c.2774C>G on transcript NM_001846.4 (MANE Select); coding-DNA position 2774, C replaced by G.
Protein change: p.Pro925Arg; replaces proline 925 with arginine.
Molecular consequence: missense variant.
Genome position (GRCh38, 1-based): chr13:110,482,531, C>G. VCF-style: chr13-110482531-C-G. GRCh37 (hg19) VCF-style: chr13-111134878-C-G.
Other names: short protein forms P925R.
Identifiers: ClinVar variation 1991145 (VCV001991145.4), dbSNP rs1178852607, ClinGen allele CA388727250.

ClinVar aggregate classification (germline): Uncertain significance (1 of 4 stars; one submission).

Allele frequency attached by ClinVar (database versions not stated): gnomAD exomes below 0.00001; gnomAD 0.00002; TOPMed 0.00002.
gnomAD v4.1: 5 of 1,614,048 alleles (0.00031%); highest among the groups gnomAD compares: African/African-American, 0.0067%; no homozygotes.

Submission:

Labcorp Genetics (formerly Invitae), Labcorp
Classification: Uncertain significance. Last evaluated: 2022-04-01. Review status: criteria provided, single submitter. Criteria: Invitae Variant Classification Sherloc (09022015). Collection method: clinical testing. Allele origin: germline.
Comment: In summary, the available evidence is currently insufficient to determine the role of this variant in disease. Therefore, it has been classified as a Variant of Uncertain Significance. Advanced modeling of protein sequence and biophysical properties (such as structural, functional, and spatial information, amino acid conservation, physicochemical variation, residue mobility, and thermodynamic stability) performed at Invitae indicates that this missense variant is not expected to disrupt COL4A2 protein function. This variant has not been reported in the literature in individuals affected with COL4A2-related conditions. This variant is present in population databases (no rsID available, gnomAD 0.0009%). This sequence change replaces proline, which is neutral and non-polar, with arginine, which is basic and polar, at codon 925 of the COL4A2 protein (p.Pro925Arg).